The following is an entry in ClinVar:

ClinVar aggregate classification (germline): Likely benign (1 of 4 stars; one submission).

Allele frequency attached by ClinVar (database versions not stated): TOPMed 0.00002; gnomAD 0.00003; gnomAD exomes 0.00003; ExAC 0.00004.
gnomAD v4.1: 43 of 1,610,412 alleles (0.0027%); highest among the groups gnomAD compares: African/African-American, 0.0067%; no homozygotes.

Submission:

CeGaT Center for Human Genetics Tuebingen
Classification: Likely benign. Last evaluated: 2022-12-01. Review status: criteria provided, single submitter. Criteria: CeGaT Center For Human Genetics Tuebingen Variant Classification Criteria Version 2. Collection method: clinical testing. Allele origin: germline. Affected: yes. Observed: 2 variant alleles.
Comment: FGF17: BP4, BP7

NM_003867.4(FGF17):c.351C>T (p.Ile117=)

Gene: FGF17 (fibroblast growth factor 17; plus strand). Cytogenetic location: 8p21.3.
Variant type: single nucleotide variant.
Coding change: c.351C>T on transcript NM_003867.4 (MANE Select); coding-DNA position 351, C replaced by T.
Protein change: p.Ile117=; no amino-acid change (isoleucine 117 retained).
Molecular consequence: synonymous variant.
Genome position (GRCh38, 1-based): chr8:22,046,627, C>T. VCF-style: chr8-22046627-C-T. GRCh37 (hg19) VCF-style: chr8-21904138-C-T.
Other names: c.318C>T, p.Ile106= (NM_001304478.1).
Identifiers: ClinVar variation 2658461 (VCV002658461.24), dbSNP rs749233488, ClinGen allele CA4659893.
Genomic context (GRCh38, chr8:22,046,627, plus strand): 5'-TCGCATCAAAGGGGCTGAGAGTGAGAAGTACATCTGTATGAACAAGAGGGGCAAGCTCAT[C>T]GGGAAGGTGAGGCTGGGAGACTGGGAAGTAACAGAGAATCAGCCCTACTGGGGTGGGGAC-3'
Protein context (NP_003858.1, residues 107-127): YICMNKRGKL[Ile117=]GKPSGKSKDC